The following is an entry in ClinVar:

NM_006521.6(TFE3):c.886-45G>T

Gene: TFE3 (transcription factor binding to IGHM enhancer 3; minus strand). Cytogenetic location: Xp11.23.
Variant type: single nucleotide variant.
Coding change: c.886-45G>T on transcript NM_006521.6 (MANE Select); 45 bases into the intron before coding-DNA position 886, G replaced by T.
Molecular consequence: intron variant.
Genome position (GRCh38, 1-based): chrX:49,034,296, C>A on the plus strand (G>T on the coding strand, the complement: TFE3 is on the minus strand). VCF-style: chrX-49034296-C-A. GRCh37 (hg19) VCF-style: chrX-48891810-C-A.
Other names: c.571-45G>T (NM_001282142.2).
Identifiers: ClinVar variation 2660501 (VCV002660501.24), dbSNP rs781842431, ClinGen allele CA10407757.

ClinVar aggregate classification (germline): Likely benign (1 of 4 stars; one submission).

Allele frequency attached by ClinVar (database versions not stated): ExAC 0.00016.

Submission:

CeGaT Center for Human Genetics Tuebingen
Classification: Likely benign. Last evaluated: 2025-10-01. Review status: criteria provided, single submitter. Criteria: CeGaT Center For Human Genetics Tuebingen Variant Classification Criteria Version 2. Collection method: clinical testing. Allele origin: germline. Affected: yes. Observed: 2 variant alleles.
Comment: TFE3: BS2